The following is an entry in ClinVar:

NM_000053.4(ATP7B):c.1099G>A (p.Gly367Ser)

Gene: ATP7B (ATPase copper transporting beta; minus strand). Cytogenetic location: 13q14.3.
Variant type: single nucleotide variant.
Coding change: c.1099G>A on transcript NM_000053.4 (MANE Select); coding-DNA position 1099, G replaced by A.
Protein change: p.Gly367Ser; replaces glycine 367 with serine.
Molecular consequence: missense variant. On other transcripts: intron variant (2).
Genome position (GRCh38, 1-based): chr13:51,974,121, C>T on the plus strand (G>A on the coding strand, the complement: ATP7B is on the minus strand). VCF-style: chr13-51974121-C-T. GRCh37 (hg19) VCF-style: chr13-52548257-C-T.
Other names: c.1099G>A, p.Gly367Ser (NM_001005918.3, NM_001330578.2, NM_001330579.2 and 29 more transcripts); c.1003G>A, p.Gly335Ser (NM_001406517.1, NM_001406518.1, NM_001406530.1 and 3 more transcripts); c.803-37G>A (NM_001243182.2); c.707-37G>A (NM_001406539.1); short protein forms G335S, G367S.
Identifiers: ClinVar variation 3069703 (VCV003069703.2), dbSNP rs1023755495, ClinGen allele CA250066886.

ClinVar aggregate classification (germline): Uncertain significance. Review status: criteria provided, multiple submitters, no conflicts (2 of 4 stars). 2 submissions from 2 submitters: Uncertain significance (2). Last evaluated 2024-05-24.

Conditions:
Wilson disease (WND). Also called: Wilson's disease. Identifiers: Orphanet 905, MedGen C0019202, MONDO:0010200, OMIM 277900. Disease mechanism: loss of function.

Allele frequency attached by ClinVar (database versions not stated): gnomAD exomes 0.00001; gnomAD 0.00002; TOPMed 0.00003.
gnomAD v4.1: 21 of 1,613,690 alleles (0.0013%); highest among the groups gnomAD compares: Non-Finnish European, 0.0017%; no homozygotes.

Submissions (2):

Blueprint Genetics
Classification: Uncertain significance. Last evaluated: 2024-05-24. Review status: criteria provided, single submitter. Criteria: ACMG Guidelines, 2015. Collection method: clinical testing. Allele origin: germline.

All of Us Research Program, National Institutes of Health
Classification: Uncertain significance for Wilson disease. Last evaluated: 2024-02-05. Review status: criteria provided, single submitter. Criteria: ACMG Guidelines, 2015. Collection method: clinical testing. Allele origin: germline. Inheritance: Autosomal recessive inheritance. Observed: 6 variant alleles, 6 heterozygotes.
Comment: This missense variant replaces glycine with serine at codon 367 of the ATP7B protein. Computational prediction suggests that this variant may have deleterious impact on protein structure and function (internally defined REVEL score threshold >= 0.7, PMID: 27666373). To our knowledge, functional studies have not been reported for this variant. This variant has not been reported in individuals affected with ATP7B-related disorders in the literature. This variant has not been identified in the general population by the Genome Aggregation Database (gnomAD). The available evidence is insufficient to determine the role of this variant in disease conclusively. Therefore, this variant is classified as a Variant of Uncertain Significance.

This study involves interpretation of variants in research participants for the purpose of population health screening. Participant phenotype was not available at the time of variant classification. Additional details can be found in publication PMID: 35346344, PMCID: PMC8962531